The following is an entry in ClinVar:

NM_000051.4(ATM):c.7409A>G (p.Tyr2470Cys)

Genes: ATM (ATM serine/threonine kinase; plus strand), C11orf65 (chromosome 11 open reading frame 65; minus strand). Cytogenetic location: 11q22.3.
Variant type: single nucleotide variant.
Coding change: c.7409A>G on transcript NM_000051.4 (MANE Select); coding-DNA position 7409, A replaced by G.
Protein change: p.Tyr2470Cys; replaces tyrosine 2470 with cysteine.
Molecular consequence: missense variant. On other transcripts: intron variant (2).
Genome position (GRCh38, 1-based): chr11:108,330,315, A>G. VCF-style: chr11-108330315-A-G. GRCh37 (hg19) VCF-style: chr11-108201042-A-G.
Other names: c.7409A>G, p.Tyr2470Cys (NM_001351834.2); c.641-21244T>C (NM_001330368.2); c.*38+4905T>C (NM_001351110.2); short protein forms Y2470C.
Identifiers: ClinVar variation 236773 (VCV000236773.12), dbSNP rs878853544, ClinGen allele CA10582852.

ClinVar aggregate classification (germline): Conflicting classifications of pathogenicity. Review status: criteria provided, conflicting classifications (1 of 4 stars). 3 submissions from 3 submitters: Likely pathogenic (1); Uncertain significance (2). Last evaluated 2026-06-09.

Conditions:
Hereditary cancer-predisposing syndrome. Also called: Neoplastic Syndromes, Hereditary; Hereditary neoplastic syndrome; Tumor predisposition; Hereditary Cancer Syndrome. Identifiers: Orphanet 140162, MedGen C0027672, MeSH D009386, MONDO:0015356.
Ataxia-telangiectasia syndrome (AT). Also called: Ataxia telangiectasia (A-T); Cerebello-oculocutaneous telangiectasia; Immunodeficiency with ataxia telangiectasia; LOUIS-BAR SYNDROME; AT, COMPLEMENTATION GROUP C; ATAXIA-TELANGIECTASIA, FRESNO VARIANT. Identifiers: Orphanet 100, MedGen C0004135, MONDO:0008840, OMIM 208900.
Hereditary breast ovarian cancer syndrome. Also called: BRCA1- and BRCA2-Associated Hereditary Breast and Ovarian Cancer; Hereditary breast and/or ovarian cancer syndrome; Hereditary breast and ovarian cancer syndrome (HBOC); Hereditary breast and ovarian cancer syndrome; Hereditary breast and ovarian cancer; Breast and ovarian cancer. Identifiers: Orphanet 145, MedGen C0677776, MeSH D061325, MONDO:0003582. Disease mechanism: loss of function.

gnomAD v4.1: 1 of 1,614,108 alleles (0.000062%); highest among the groups gnomAD compares: Non-Finnish European, 0.000085%; no homozygotes.

Submissions (3):

German Consortium for Hereditary Breast and Ovarian Cancer, University Hospital Cologne
Classification: Uncertain significance for Hereditary breast ovarian cancer syndrome. Last evaluated: 2026-06-09. Review status: criteria provided, single submitter. Criteria: ClinGen ATM V1.5.0. Collection method: curation. Allele origin: germline.
Comment: This classification follows the ClinGen ACMG ATM v1.5.0 classification scheme; We chose these criteria: PM2 (supporting pathogenic): absent from gnomAD v2/3; 1x in gnomAD v4.1.1 (Total MAF = 6.195e-7), PP3 (supporting pathogenic): REVEL 0.9 (>0.7333)

Labcorp Genetics (formerly Invitae), Labcorp
Classification: Likely pathogenic for Ataxia-telangiectasia syndrome. Last evaluated: 2025-11-10. Review status: criteria provided, single submitter. Criteria: Invitae Variant Classification Sherloc (09022015). Collection method: clinical testing. Allele origin: germline.
Comment: This sequence change replaces tyrosine, which is neutral and polar, with cysteine, which is neutral and slightly polar, at codon 2470 of the ATM protein (p.Tyr2470Cys). This variant is not present in population databases (gnomAD no frequency). This variant has not been reported in the literature in individuals affected with ATM-related conditions. ClinVar contains an entry for this variant (Variation ID: 236773). Invitae Evidence Modeling of protein sequence and biophysical properties (such as structural, functional, and spatial information, amino acid conservation, physicochemical variation, residue mobility, and thermodynamic stability) indicates that this missense variant is expected to disrupt ATM protein function with a positive predictive value of 95%. This variant disrupts the p.Tyr2470 amino acid residue in ATM. Other variant(s) that disrupt this residue have been determined to be pathogenic (PMID: 9887333, 19691550, 21665257; internal data). This suggests that this residue is clinically significant, and that variants that disrupt this residue are likely to be disease-causing. In summary, the currently available evidence indicates that the variant is pathogenic, but additional data are needed to prove that conclusively. Therefore, this variant has been classified as Likely Pathogenic.

Ambry Genetics
Classification: Uncertain significance for Hereditary cancer-predisposing syndrome. Last evaluated: 2024-01-16. Review status: criteria provided, single submitter. Criteria: Ambry Variant Classification Scheme 2023. Collection method: clinical testing. Allele origin: germline.
Comment: The p.Y2470C variant (also known as c.7409A>G), located in coding exon 49 of the ATM gene, results from an A to G substitution at nucleotide position 7409. The tyrosine at codon 2470 is replaced by cysteine, an amino acid with highly dissimilar properties. This amino acid position is highly conserved in available vertebrate species. In addition, this alteration is predicted to be deleterious by in silico analysis. Since supporting evidence is limited at this time, the clinical significance of this alteration remains unclear.

Literature cited by the submitters: PubMed 9887333 (cited by Labcorp Genetics (formerly Invitae), Labcorp); PubMed 19691550 (cited by Labcorp Genetics (formerly Invitae), Labcorp); PubMed 21665257 (cited by Labcorp Genetics (formerly Invitae), Labcorp).